The following is an entry in ClinVar:

ClinVar aggregate classification (germline): Uncertain significance (1 of 4 stars; one submission).

Conditions:
Wilms tumor 1 (WT1). Also called: Wilms tumor, somatic. Identifiers: Orphanet 654, MedGen CN033288, MONDO:0008679, OMIM 194070.

Submission:

Labcorp Genetics (formerly Invitae), Labcorp
Classification: Uncertain significance for Wilms tumor 1. Last evaluated: 2023-04-01. Review status: criteria provided, single submitter. Criteria: Invitae Variant Classification Sherloc (09022015). Collection method: clinical testing. Allele origin: germline.
Comment: This sequence change replaces threonine, which is neutral and polar, with isoleucine, which is neutral and non-polar, at codon 180 of the GPC3 protein (p.Thr180Ile). This variant is not present in population databases (gnomAD no frequency). This variant has not been reported in the literature in individuals affected with GPC3-related conditions. An algorithm developed to predict the effect of missense changes on protein structure and function (PolyPhen-2) suggests that this variant is likely to be disruptive. In summary, the available evidence is currently insufficient to determine the role of this variant in disease. Therefore, it has been classified as a Variant of Uncertain Significance.

NM_004484.4(GPC3):c.539C>T (p.Thr180Ile)

Gene: GPC3 (glypican 3; minus strand). Cytogenetic location: Xq26.2.
Variant type: single nucleotide variant.
Coding change: c.539C>T on transcript NM_004484.4 (MANE Select); coding-DNA position 539, C replaced by T.
Protein change: p.Thr180Ile; replaces threonine 180 with isoleucine.
Molecular consequence: missense variant.
Genome position (GRCh38, 1-based): chrX:133,753,975, G>A on the plus strand (C>T on the coding strand, the complement: GPC3 is on the minus strand). VCF-style: chrX-133753975-G-A. GRCh37 (hg19) VCF-style: chrX-132888002-G-A.
Other names: c.539C>T, p.Thr180Ile (NM_001164617.2); c.491C>T, p.Thr164Ile (NM_001164618.2); c.377C>T, p.Thr126Ile (NM_001164619.2); short protein forms T126I, T180I, T164I.
Identifiers: ClinVar variation 2851334 (VCV002851334.3), dbSNP rs2521357225, ClinGen allele CA414706393.